The following is an entry in ClinVar:

NM_001267550.2(TTN):c.47195dup (p.Ser15733fs)

Genes: TTN (titin; minus strand), TTN-AS1 (TTN antisense RNA 1; plus strand). Cytogenetic location: 2q31.2.
Variant type: Duplication.
Coding change: c.47195dup on transcript NM_001267550.2 (MANE Select); coding-DNA position 47195, one base duplicated (T; older notation c.47195dupT).
Protein change: p.Ser15733fs; shifts the reading frame from serine 15733.
Molecular consequence: frameshift variant.
Genome position (GRCh38, 1-based): chr2:178,618,263, A duplicated on the plus strand (T on the coding strand, the reverse complement: TTN is on the minus strand). VCF-style (leftmost placement, unchanged base first): chr2-178618262-C-CA. GRCh37 (hg19) VCF-style: chr2-179482989-C-CA.
Other names: c.42272dup, p.Ser14092fs (NM_001256850.1); c.20000dup, p.Ser6668fs (NM_003319.4); c.39491dup, p.Ser13165fs (NM_133378.4); c.20375dup, p.Ser6793fs (NM_133432.3); c.20576dup, p.Ser6860fs (NM_133437.4); short protein forms S15733fs, S6793fs, S13165fs, S14092fs, S6668fs, S6860fs.
Identifiers: ClinVar variation 2134183 (VCV002134183.4), dbSNP rs2470894697, ClinGen allele CA2580065399.

ClinVar aggregate classification (germline): Likely pathogenic (1 of 4 stars; one submission).

Conditions:
Dilated cardiomyopathy 1G (CMD1G). Identifiers: Orphanet 154, MedGen C1858763, MONDO:0011400, OMIM 604145.
Autosomal recessive limb-girdle muscular dystrophy type 2J (LGMDR10). Also called: MUSCULAR DYSTROPHY, LIMB-GIRDLE, AUTOSOMAL RECESSIVE 10; Limb-girdle muscular dystrophy, type 2J. Identifiers: Orphanet 140922, MedGen C1837342, MONDO:0012127, OMIM 608807.

Submission:

Labcorp Genetics (formerly Invitae), Labcorp
Classification: Likely pathogenic for Dilated cardiomyopathy 1G; Autosomal recessive limb-girdle muscular dystrophy type 2J. Last evaluated: 2022-05-05. Review status: criteria provided, single submitter. Criteria: Invitae Variant Classification Sherloc (09022015). Collection method: clinical testing. Allele origin: germline.
Comment: This sequence change creates a premature translational stop signal (p.Ser15733Glufs*10) in the TTN gene. While this is not anticipated to result in nonsense mediated decay, it is expected to create a truncated TTN protein. This variant is not present in population databases (gnomAD no frequency). This variant has not been reported in the literature in individuals affected with TTN-related conditions. This variant is located in the A band of TTN (PMID: 25589632). Truncating variants in this region are significantly overrepresented in patients affected with dilated cardiomyopathy (PMID: 25589632). Truncating variants in this region have also been reported in individuals affected with autosomal recessive centronuclear myopathy (PMID: 23975875). In summary, the currently available evidence indicates that the variant is pathogenic, but additional data are needed to prove that conclusively. Therefore, this variant has been classified as Likely Pathogenic.

Literature cited by the submitters: PubMed 25589632; PubMed 23975875.